The following is an entry in ClinVar:

ClinVar aggregate classification (germline): Uncertain significance (1 of 4 stars; one submission).

Conditions:
Acrodysostosis 2 with or without hormone resistance. Also called: ACRODYSOSTOSIS 2 WITH HORMONE RESISTANCE; ACRODYSOSTOSIS 2 WITHOUT HORMONE RESISTANCE. Identifiers: Orphanet 280651, MedGen C3553250, MONDO:0013822, OMIM 614613.

Allele frequency attached by ClinVar (database versions not stated): TOPMed below 0.00001; gnomAD 0.00001; gnomAD exomes 0.00001.
gnomAD v4.1: 12 of 1,540,890 alleles (0.00078%); highest among the groups gnomAD compares: African/African-American, 0.0014%; no homozygotes.

Submission:

Labcorp Genetics (formerly Invitae), Labcorp
Classification: Uncertain significance. Last evaluated: 2023-04-24. Review status: criteria provided, single submitter. Criteria: Invitae Variant Classification Sherloc (09022015). Collection method: clinical testing. Allele origin: germline.
Comment: This variant is present in population databases (no rsID available, gnomAD 0.002%). This sequence change replaces lysine, which is basic and polar, with arginine, which is basic and polar, at codon 30 of the PDE4D protein (p.Lys30Arg). This variant has not been reported in the literature in individuals affected with PDE4D-related conditions. In summary, the available evidence is currently insufficient to determine the role of this variant in disease. Therefore, it has been classified as a Variant of Uncertain Significance. Experimental studies and prediction algorithms are not available or were not evaluated, and the functional significance of this variant is currently unknown. ClinVar contains an entry for this variant (Variation ID: 1983353).

NM_001104631.2(PDE4D):c.89A>G (p.Lys30Arg)

Gene: PDE4D (phosphodiesterase 4D; minus strand). Cytogenetic location: 5q12.1.
Variant type: single nucleotide variant.
Coding change: c.89A>G on transcript NM_001104631.2 (MANE Select); coding-DNA position 89, A replaced by G.
Protein change: p.Lys30Arg; replaces lysine 30 with arginine.
Molecular consequence: missense variant. On other transcripts: intron variant (5).
Genome position (GRCh38, 1-based): chr5:59,893,534, T>C on the plus strand (A>G on the coding strand, the complement: PDE4D is on the minus strand). VCF-style: chr5-59893534-T-C. GRCh37 (hg19) VCF-style: chr5-59189361-T-C.
Other names: c.89A>G (NM_001104631.1); c.272+94954A>G (NM_001364599.1, NM_001165899.2, NM_001364600.2); c.-240+94954A>G (NM_001349243.2); c.242+94954A>G (NM_001349241.2); short protein forms K30R.
Identifiers: ClinVar variation 1983353 (VCV001983353.5), dbSNP rs1443798737, ClinGen allele CA359933118.
Genomic context (GRCh38, chr5:59,893,534, plus strand): 5'-AGGCGGAACTGGGGCTGCCGGAGCGGGTACTGGTGGTGCTGCTCGTGCCTCCAGAGATGC[T>C]TGGGGGCTTTGAGCGTGGCCCCGCCGGCGCTGTCGCTGCCCTCTCCGCTGCCCGCCCGGG-3'
Protein context (NP_001098101.1, residues 20-40): SAGGATLKAP[Lys30Arg]HLWRHEQHHQ